The following is an entry in ClinVar:

ClinVar aggregate classification (germline): Benign/Likely benign. Review status: criteria provided, multiple submitters, no conflicts (2 of 4 stars). 3 submissions from 3 submitters: Benign (2); Likely benign (1). Last evaluated 2025-11-06.

Conditions:
Charcot-Marie-Tooth disease dominant intermediate B (CMTDIB). Also called: CHARCOT-MARIE-TOOTH NEUROPATHY, DOMINANT INTERMEDIATE B; Charcot-Marie-Tooth disease dominant intermediate 1; CMT DI1; Charcot-Marie-Tooth disease dominant intermediate I. Identifiers: Orphanet 100044, Orphanet 228179, MedGen C1847902, MONDO:0011674, OMIM 606482.

Allele frequency attached by ClinVar (database versions not stated): gnomAD exomes 0.00002 and 0.00006; ExAC 0.00003; ESP Exome Variant Server 0.00008; TOPMed 0.00021; gnomAD 0.00023 and 0.00028.
gnomAD v4.1: 64 of 1,607,898 alleles (0.004%); highest among the groups gnomAD compares: African/African-American, 0.075%; no homozygotes.

Submissions (3):

Women's Health and Genetics/Laboratory Corporation of America, LabCorp
Classification: Benign. Last evaluated: 2025-11-06. Review status: criteria provided, single submitter. Criteria: LabCorp Variant Classification Summary - May 2015. Collection method: clinical testing. Allele origin: germline.
Comment: Variant summary: DNM2 c.589+17G>T alters a nucleotide located at a position not widely known to affect splicing. Consensus agreement among computation tools predict no significant impact on normal splicing. However, these predictions have yet to be confirmed by functional studies. The variant allele was found at a frequency of 6.2e-05 in 241564 control chromosomes. The observed variant frequency exceeds the estimated maximal expected allele frequency for disease-causing variants in DNM2. To our knowledge, no occurrence of c.589+17G>T in individuals affected with DNM2-related conditions and no experimental evidence demonstrating its impact on protein function have been reported. ClinVar contains an entry for this variant (Variation ID: 386036). Based on the evidence outlined above, the variant was classified as benign.

Labcorp Genetics (formerly Invitae), Labcorp
Classification: Benign for Charcot-Marie-Tooth disease dominant intermediate B. Last evaluated: 2025-10-17. Review status: criteria provided, single submitter. Criteria: Invitae Variant Classification Sherloc (09022015). Collection method: clinical testing. Allele origin: germline.

GeneDx
Classification: Likely benign. Last evaluated: 2016-05-25. Review status: criteria provided, single submitter. Criteria: GeneDx Variant Classification (06012015). Collection method: clinical testing. Allele origin: germline. Affected: yes.
Comment: This variant is considered likely benign or benign based on one or more of the following criteria: it is a conservative change, it occurs at a poorly conserved position in the protein, it is predicted to be benign by multiple in silico algorithms, and/or has population frequency not consistent with disease.

NM_001005361.3(DNM2):c.589+17G>T

Gene: DNM2 (dynamin 2; plus strand). Cytogenetic location: 19p13.2.
Variant type: single nucleotide variant.
Coding change: c.589+17G>T on transcript NM_001005361.3 (MANE Select); 17 bases into the intron after coding-DNA position 589, G replaced by T.
Molecular consequence: intron variant.
Genome position (GRCh38, 1-based): chr19:10,775,923, G>T. VCF-style: chr19-10775923-G-T. GRCh37 (hg19) VCF-style: chr19-10886599-G-T.
Other names: c.589+17G>T (NM_001005360.3, NM_001190716.2, NM_004945.4 and 1 more transcripts).
Identifiers: ClinVar variation 386036 (VCV000386036.9), dbSNP rs374377836, ClinGen allele CA9200823.